The following is an entry in ClinVar:

NM_152564.5(VPS13B):c.1777A>G (p.Arg593Gly)

Gene: VPS13B (vacuolar protein sorting 13 homolog B; plus strand). Cytogenetic location: 8q22.2.
Variant type: single nucleotide variant.
Coding change: c.1777A>G on transcript NM_152564.5 (MANE Select); coding-DNA position 1777, A replaced by G.
Protein change: p.Arg593Gly; replaces arginine 593 with glycine.
Molecular consequence: missense variant.
Genome position (GRCh38, 1-based): chr8:99,143,099, A>G. VCF-style: chr8-99143099-A-G. GRCh37 (hg19) VCF-style: chr8-100155327-A-G.
Other names: c.1777A>G, p.Arg593Gly (NM_015243.3, NM_017890.5); short protein forms R593G.
Identifiers: ClinVar variation 4749002 (VCV004749002.1).

ClinVar aggregate classification (germline): Uncertain significance (1 of 4 stars; one submission).

Conditions:
Cohen syndrome (COH1). Also called: PEPPER SYNDROME; Cutis verticis gyrata, retinitis pigmentosa, and sensorineural deafness. Identifiers: Orphanet 193, MedGen C0265223, MONDO:0008999, OMIM 216550.

gnomAD v4.1: 1 of 1,614,044 alleles (0.000062%); highest among the groups gnomAD compares: Non-Finnish European, 0.000085%; no homozygotes.

Submission:

Labcorp Genetics (formerly Invitae), Labcorp
Classification: Uncertain significance for Cohen syndrome. Last evaluated: 2025-03-25. Review status: criteria provided, single submitter. Criteria: Invitae Variant Classification Sherloc (09022015). Collection method: clinical testing. Allele origin: germline.
Comment: This sequence change replaces arginine, which is basic and polar, with glycine, which is neutral and non-polar, at codon 593 of the VPS13B protein (p.Arg593Gly). This variant is not present in population databases (gnomAD no frequency). This variant has not been reported in the literature in individuals affected with VPS13B-related conditions. Invitae Evidence Modeling of protein sequence and biophysical properties (such as structural, functional, and spatial information, amino acid conservation, physicochemical variation, residue mobility, and thermodynamic stability) indicates that this missense variant is expected to disrupt VPS13B protein function with a positive predictive value of 80%. In summary, the available evidence is currently insufficient to determine the role of this variant in disease. Therefore, it has been classified as a Variant of Uncertain Significance.